The following is an entry in ClinVar:

NM_006030.4(CACNA2D2):c.3386C>T (p.Pro1129Leu)

Genes: CACNA2D2 (calcium voltage-gated channel auxiliary subunit alpha2delta 2; minus strand), LOC127898564 (CYB561D2-LOC101928965; plus strand). Cytogenetic location: 3p21.31.
Variant type: single nucleotide variant.
Coding change: c.3386C>T on transcript NM_006030.4 (MANE Select); coding-DNA position 3386, C replaced by T.
Protein change: p.Pro1129Leu; replaces proline 1129 with leucine.
Molecular consequence: missense variant.
Genome position (GRCh38, 1-based): chr3:50,364,712, G>A on the plus strand (C>T on the coding strand, the complement: CACNA2D2 is on the minus strand). VCF-style: chr3-50364712-G-A. GRCh37 (hg19) VCF-style: chr3-50402143-G-A.
Other names: c.3392C>T, p.Pro1131Leu (NM_001005505.3); c.3407C>T, p.Pro1136Leu (NM_001174051.3); c.3185C>T, p.Pro1062Leu (NM_001291101.1); short protein forms P1062L, P1131L, P1136L, P1129L.
Identifiers: ClinVar variation 642186 (VCV000642186.7), dbSNP rs1014755697, ClinGen allele CA74654543.

ClinVar aggregate classification (germline): Uncertain significance (1 of 4 stars; one submission).

Conditions:
Early-infantile DEE. Also called: Early infantile epileptic encephalopathy; Early infantile epileptic encephalopathy with suppression bursts; Ohtahara syndrome. Identifiers: Orphanet 1934, MedGen C0393706, MONDO:0800491.

Allele frequency attached by ClinVar (database versions not stated): TOPMed below 0.00001; gnomAD 0.00003.
gnomAD v4.1: 6 of 1,547,684 alleles (0.00039%); highest among the groups gnomAD compares: African/African-American, 0.0055%; no homozygotes.

Submission:

Labcorp Genetics (formerly Invitae), Labcorp
Classification: Uncertain significance for Early-infantile DEE. Last evaluated: 2022-08-23. Review status: criteria provided, single submitter. Criteria: Invitae Variant Classification Sherloc (09022015). Collection method: clinical testing. Allele origin: germline.
Comment: In summary, the available evidence is currently insufficient to determine the role of this variant in disease. Therefore, it has been classified as a Variant of Uncertain Significance. Algorithms developed to predict the effect of missense changes on protein structure and function are either unavailable or do not agree on the potential impact of this missense change (SIFT: "Tolerated"; PolyPhen-2: "Possibly Damaging"; Align-GVGD: "Class C0"). ClinVar contains an entry for this variant (Variation ID: 642186). This variant has not been reported in the literature in individuals affected with CACNA2D2-related conditions. This variant is present in population databases (no rsID available, gnomAD 0.02%). This sequence change replaces proline, which is neutral and non-polar, with leucine, which is neutral and non-polar, at codon 1129 of the CACNA2D2 protein (p.Pro1129Leu).